The following is an entry in ClinVar:

NM_001458.5(FLNC):c.4576C>G (p.Arg1526Gly)

Gene: FLNC (filamin C; plus strand). Cytogenetic location: 7q32.1.
Variant type: single nucleotide variant.
Coding change: c.4576C>G on transcript NM_001458.5 (MANE Select); coding-DNA position 4576, C replaced by G.
Protein change: p.Arg1526Gly; replaces arginine 1526 with glycine.
Molecular consequence: missense variant.
Genome position (GRCh38, 1-based): chr7:128,848,064, C>G. VCF-style: chr7-128848064-C-G. GRCh37 (hg19) VCF-style: chr7-128488118-C-G.
Other names: c.4576C>G, p.Arg1526Gly (NM_001127487.2); short protein forms R1526G.
Identifiers: ClinVar variation 837416 (VCV000837416.14), dbSNP rs746275035, ClinGen allele CA369202049.

ClinVar aggregate classification (germline): Uncertain significance. Review status: criteria provided, single submitter (1 of 4 stars). 3 submissions from 3 submitters: Uncertain significance (1). 2 of the submissions do not count toward it. Last evaluated 2024-10-28.

Conditions:
Myofibrillar myopathy 5. Also called: Filaminopathy (type); FILAMINOPATHY, AUTOSOMAL DOMINANT. Identifiers: Orphanet 171445, MedGen C1836050, MONDO:0012289, OMIM 609524.
Hypertrophic cardiomyopathy 26. Also called: Cardiomyopathy, familial hypertrophic, 26. Identifiers: Orphanet 75249, MedGen C4310749, MONDO:0014883, OMIM 617047.
Distal myopathy with posterior leg and anterior hand involvement. Also called: WILLIAMS DISTAL MYOPATHY. Identifiers: Orphanet 63273, MedGen C3279722, MONDO:0013550, OMIM 614065.

gnomAD v4.1: 6 of 1,603,228 alleles (0.00037%); highest among the groups gnomAD compares: East Asian, 0.0023%; no homozygotes.

Submissions (3):

Labcorp Genetics (formerly Invitae), Labcorp
Classification: Uncertain significance for Distal myopathy with posterior leg and anterior hand involvement; Myofibrillar myopathy 5; Hypertrophic cardiomyopathy 26. Last evaluated: 2024-10-28. Review status: criteria provided, single submitter. Criteria: Invitae Variant Classification Sherloc (09022015). Collection method: clinical testing. Allele origin: germline.
Comment: This sequence change replaces arginine, which is basic and polar, with glycine, which is neutral and non-polar, at codon 1526 of the FLNC protein (p.Arg1526Gly). The frequency data for this variant in the population databases is considered unreliable, as metrics indicate poor data quality at this position in the gnomAD database. This variant has not been reported in the literature in individuals affected with FLNC-related conditions. ClinVar contains an entry for this variant (Variation ID: 837416). Invitae Evidence Modeling of protein sequence and biophysical properties (such as structural, functional, and spatial information, amino acid conservation, physicochemical variation, residue mobility, and thermodynamic stability) has been performed for this missense variant. However, the output from this modeling did not meet the statistical confidence thresholds required to predict the impact of this variant on FLNC protein function. In summary, the available evidence is currently insufficient to determine the role of this variant in disease. Therefore, it has been classified as a Variant of Uncertain Significance.

Clinical Genetics DNA and cytogenetics Diagnostics Lab, Erasmus MC, Erasmus Medical Center
Classification: Uncertain significance. Review status: no assertion criteria provided. Collection method: clinical testing. Allele origin: germline. Affected: yes. Study: VKGL Data-share Consensus. Not counted in ClinVar's aggregate classification.

Diagnostic Laboratory, Department of Genetics, University Medical Center Groningen
Classification: Uncertain significance. Review status: no assertion criteria provided. Collection method: clinical testing. Allele origin: germline. Affected: yes. Study: VKGL Data-share Consensus. Not counted in ClinVar's aggregate classification.